The following is an entry in ClinVar:

ClinVar aggregate classification (germline): Uncertain significance (1 of 4 stars; one submission).

Conditions:
Hereditary cancer-predisposing syndrome. Also called: Tumor predisposition; Hereditary neoplastic syndrome; Hereditary Cancer Syndrome; Neoplastic Syndromes, Hereditary. Identifiers: Orphanet 140162, MedGen C0027672, MeSH D009386, MONDO:0015356.

Submission:

Ambry Genetics
Classification: Uncertain significance for Hereditary cancer-predisposing syndrome. Last evaluated: 2025-04-21. Review status: criteria provided, single submitter. Criteria: Ambry Variant Classification Scheme 2023. Collection method: clinical testing. Allele origin: germline.
Comment: The p.H281D variant (also known as c.841C>G), located in coding exon 8 of the RB1 gene, results from a C to G substitution at nucleotide position 841. The histidine at codon 281 is replaced by aspartic acid, an amino acid with similar properties. This amino acid position is conserved. In addition, the in silico prediction for this alteration is inconclusive. Based on the available evidence, the clinical significance of this variant remains unclear.

NM_000321.3(RB1):c.841C>G (p.His281Asp)

Gene: RB1 (RB transcriptional corepressor 1; plus strand). Cytogenetic location: 13q14.2.
Variant type: single nucleotide variant.
Coding change: c.841C>G on transcript NM_000321.3 (MANE Select); coding-DNA position 841, C replaced by G.
Protein change: p.His281Asp; replaces histidine 281 with aspartic acid.
Molecular consequence: missense variant.
Genome position (GRCh38, 1-based): chr13:48,362,937, C>G. VCF-style: chr13-48362937-C-G. GRCh37 (hg19) VCF-style: chr13-48937073-C-G.
Other names: c.841C>G, p.His281Asp (NM_001407165.1, NM_001407166.1); short protein forms H281D.
Identifiers: ClinVar variation 3943349 (VCV003943349.1).